The following is an entry in ClinVar:

NM_002335.4(LRP5):c.1952G>A (p.Ser651Asn)

Gene: LRP5 (LDL receptor related protein 5; plus strand). Cytogenetic location: 11q13.2.
Variant type: single nucleotide variant.
Coding change: c.1952G>A on transcript NM_002335.4 (MANE Select); coding-DNA position 1952, G replaced by A.
Protein change: p.Ser651Asn; replaces serine 651 with asparagine.
Molecular consequence: missense variant.
Genome position (GRCh38, 1-based): chr11:68,406,674, G>A. VCF-style: chr11-68406674-G-A. GRCh37 (hg19) VCF-style: chr11-68174142-G-A.
Other names: c.209G>A, p.Ser70Asn (NM_001291902.2); short protein forms S70N, S651N.
Identifiers: ClinVar variation 2049855 (VCV002049855.7), dbSNP rs780994858, ClinGen allele CA6149491.

ClinVar aggregate classification (germline): Uncertain significance. Review status: criteria provided, multiple submitters, no conflicts (2 of 4 stars). 3 submissions from 3 submitters: Uncertain significance (2). 1 of the submissions does not count toward it. Last evaluated 2024-04-01.

Conditions:
Worth disease. Also called: ENDOSTEAL HYPEROSTOSIS, AUTOSOMAL DOMINANT; OSTEOSCLEROSIS, AUTOSOMAL DOMINANT; Autosomal dominant osteosclerosis, Worth type. Identifiers: Orphanet 2790, MedGen C0432273, MONDO:0007764, OMIM 144750.
Bone mineral density quantitative trait locus 1 (BMND1). Identifiers: MedGen C1866079, OMIM 601884.
Autosomal dominant osteopetrosis 1 (OPTA1). Also called: OSTEOPETROSIS, AUTOSOMAL DOMINANT, TYPE I. Identifiers: Orphanet 2783, MedGen C1843330, MONDO:0011877, OMIM 607634.
Osteoporosis with pseudoglioma (OPPG). Also called: osteoporosis-pseudoglioma syndrome. Identifiers: Orphanet 2788, MedGen C0432252, MONDO:0009820, OMIM 259770.
Exudative vitreoretinopathy 4 (EVR4). Identifiers: Orphanet 891, MedGen C1866176, MONDO:0011151, OMIM 601813.
Polycystic liver disease 4 with or without kidney cysts. Identifiers: MedGen C4693479, MONDO:0044327, OMIM 617875.

Allele frequency attached by ClinVar (database versions not stated): gnomAD exomes below 0.00001; ExAC 0.00001; gnomAD 0.00001; TOPMed 0.00002.
gnomAD v4.1: 5 of 1,614,054 alleles (0.00031%); highest among the groups gnomAD compares: African/African-American, 0.0053%; no homozygotes.

Submissions (3):

Fulgent Genetics
Classification: Uncertain significance for Worth disease; Osteoporosis with pseudoglioma; Exudative vitreoretinopathy 4; Bone mineral density quantitative trait locus 1; Autosomal dominant osteopetrosis 1; Polycystic liver disease 4 with or without kidney cysts. Last evaluated: 2024-04-01. Review status: criteria provided, single submitter. Criteria: ACMG Guidelines, 2015. Collection method: clinical testing. Allele origin: germline.

Labcorp Genetics (formerly Invitae), Labcorp
Classification: Uncertain significance. Last evaluated: 2024-03-20. Review status: criteria provided, single submitter. Criteria: Invitae Variant Classification Sherloc (09022015). Collection method: clinical testing. Allele origin: germline.
Comment: This sequence change replaces serine, which is neutral and polar, with asparagine, which is neutral and polar, at codon 651 of the LRP5 protein (p.Ser651Asn). This variant is present in population databases (rs780994858, gnomAD 0.007%). This variant has not been reported in the literature in individuals affected with LRP5-related conditions. ClinVar contains an entry for this variant (Variation ID: 2049855). Advanced modeling of protein sequence and biophysical properties (such as structural, functional, and spatial information, amino acid conservation, physicochemical variation, residue mobility, and thermodynamic stability) performed at Invitae indicates that this missense variant is not expected to disrupt LRP5 protein function with a negative predictive value of 95%. In summary, the available evidence is currently insufficient to determine the role of this variant in disease. Therefore, it has been classified as a Variant of Uncertain Significance.

Genetic Services Laboratory, University of Chicago
Classification: Uncertain significance. Last evaluated: 2022-07-20. Review status: no assertion criteria provided. Collection method: clinical testing. Allele origin: germline. Affected: no. Not counted in ClinVar's aggregate classification.
Comment: DNA sequence analysis of the LRP5 gene demonstrated a sequence change, c.1952G>A, in exon 9 that results in an amino acid change, p.Ser651Asn. This sequence change has been described in the gnomAD database in one individual corresponding to a population frequency of 0.0004% (dbSNP rs780994858). The p.Ser651Asn change affects a highly conserved amino acid residue located in a domain of the LRP5 protein that is known to be functional. The p.Ser651Asn substitution appears to be benign using several in-silico pathogenicity prediction tools (SIFT, PolyPhen2, Align GVGD, REVEL). This sequence change does not appear to have been previously described in individuals with LRP5-related disorders. Due to insufficient evidences and the lack of functional studies, the clinical significance of the p.Ser651Asn change remains unknown at this time.